The following is an entry in ClinVar:

ClinVar aggregate classification (germline): Uncertain significance. Review status: criteria provided, multiple submitters, no conflicts (2 of 4 stars). 2 submissions from 2 submitters: Uncertain significance (2). Last evaluated 2022-06-27.

Conditions:
Fraser syndrome 2 (FRASRS2). Identifiers: MedGen C4540036, MONDO:0054738, OMIM 617666.
Isolated cryptophthalmia. Also called: Cryptophthalmos, unilateral or bilateral, isolated; ANKYLOBLEPHARON, SIMPLE. Identifiers: Orphanet 91396, MedGen C1852453, MONDO:0007410, OMIM 123570.

Allele frequency attached by ClinVar (database versions not stated): gnomAD exomes 0.00002; ExAC 0.00003; gnomAD 0.00009 and 0.00010; TOPMed 0.00011; ESP Exome Variant Server 0.00015.
gnomAD v4.1: 39 of 1,613,836 alleles (0.0024%); highest among the groups gnomAD compares: African/African-American, 0.024%; no homozygotes.

Submissions (2):

Labcorp Genetics (formerly Invitae), Labcorp
Classification: Uncertain significance. Last evaluated: 2022-06-27. Review status: criteria provided, single submitter. Criteria: Invitae Variant Classification Sherloc (09022015). Collection method: clinical testing. Allele origin: germline.
Comment: This sequence change replaces arginine, which is basic and polar, with histidine, which is basic and polar, at codon 692 of the FREM2 protein (p.Arg692His). This variant is present in population databases (rs367642497, gnomAD 0.03%). This variant has not been reported in the literature in individuals affected with FREM2-related conditions. Algorithms developed to predict the effect of missense changes on protein structure and function are either unavailable or do not agree on the potential impact of this missense change (SIFT: "Deleterious"; PolyPhen-2: "Benign"; Align-GVGD: "Class C0"). In summary, the available evidence is currently insufficient to determine the role of this variant in disease. Therefore, it has been classified as a Variant of Uncertain Significance.

Fulgent Genetics
Classification: Uncertain significance for Isolated cryptophthalmia; Fraser syndrome 2. Last evaluated: 2021-10-04. Review status: criteria provided, single submitter. Criteria: ACMG Guidelines, 2015. Collection method: clinical testing. Allele origin: unknown.

NM_207361.6(FREM2):c.2075G>A (p.Arg692His)

Gene: FREM2 (FRAS1 related extracellular matrix 2; plus strand). Cytogenetic location: 13q13.3.
Variant type: single nucleotide variant.
Coding change: c.2075G>A on transcript NM_207361.6 (MANE Select); coding-DNA position 2075, G replaced by A.
Protein change: p.Arg692His; replaces arginine 692 with histidine.
Molecular consequence: missense variant.
Genome position (GRCh38, 1-based): chr13:38,689,419, G>A. VCF-style: chr13-38689419-G-A. GRCh37 (hg19) VCF-style: chr13-39263556-G-A.
Other names: short protein forms R692H.
Identifiers: ClinVar variation 1511048 (VCV001511048.4), dbSNP rs367642497, ClinGen allele CA6954533.